The following is an entry in ClinVar:

ClinVar aggregate classification (germline): Uncertain significance (1 of 4 stars; one submission).

Conditions:
Hypertrophic cardiomyopathy 26. Also called: Cardiomyopathy, familial hypertrophic, 26. Identifiers: Orphanet 75249, MedGen C4310749, MONDO:0014883, OMIM 617047.

Submission:

3billion
Classification: Uncertain significance for Hypertrophic cardiomyopathy 26. Last evaluated: 2024-11-25. Review status: criteria provided, single submitter. Criteria: ACMG Guidelines, 2015. Collection method: clinical testing. Allele origin: germline. Affected: yes.
Comment: The variant is not observed in the gnomAD v4.1.0 dataset. Predicted Consequence/Location: Missense variant. The majority of the known disease-causing variants of this gene are variants expected to result in premature termination of the protein. In silico tool predictions suggest damaging effect of the variant on gene or gene product [REVEL: 0.82 (>=0.6, sensitivity 0.68 and specificity 0.92)]. Different missense changes at the same codon have been reported as of uncertain significance (ClinVar ID: VCV003027265). Therefore, this variant is classified as VUS according to the recommendation of ACMG/AMP guideline.

NM_001458.5(FLNC):c.7245C>G (p.Ser2415Arg)

Genes: FLNC (filamin C; plus strand), FLNC-AS1 (FLNC antisense RNA 1; minus strand). Cytogenetic location: 7q32.1.
Variant type: single nucleotide variant.
Coding change: c.7245C>G on transcript NM_001458.5 (MANE Select); coding-DNA position 7245, C replaced by G.
Protein change: p.Ser2415Arg; replaces serine 2415 with arginine.
Molecular consequence: missense variant.
Genome position (GRCh38, 1-based): chr7:128,855,308, C>G. VCF-style: chr7-128855308-C-G. GRCh37 (hg19) VCF-style: chr7-128495362-C-G.
Other names: c.7146C>G, p.Ser2382Arg (NM_001127487.2); short protein forms S2382R, S2415R.
Identifiers: ClinVar variation 4291917 (VCV004291917.1).